The following is an entry in ClinVar:

ClinVar aggregate classification (germline): Likely benign. Review status: criteria provided, multiple submitters, no conflicts (2 of 4 stars). 2 submissions from 2 submitters: Likely benign (2). Last evaluated 2026-08-04.

Conditions:
TTN-related disorder. Also called: TTN-related condition; TTN-related disease; TTN-related disorders.
Autosomal recessive limb-girdle muscular dystrophy type 2J (LGMDR10). Also called: Limb-girdle muscular dystrophy, type 2J; MUSCULAR DYSTROPHY, LIMB-GIRDLE, AUTOSOMAL RECESSIVE 10. Identifiers: Orphanet 140922, MedGen C1837342, MONDO:0012127, OMIM 608807.
Dilated cardiomyopathy 1G (CMD1G). Identifiers: Orphanet 154, MedGen C1858763, MONDO:0011400, OMIM 604145.

Allele frequency attached by ClinVar (database versions not stated): ExAC 0.00001; gnomAD 0.00001; gnomAD exomes 0.00001; TOPMed 0.00002.
gnomAD v4.1: 12 of 1,610,630 alleles (0.00075%); highest among the groups gnomAD compares: Middle Eastern, 0.082%; no homozygotes.

Submissions (2):

PreventionGenetics, part of Exact Sciences
Classification: Likely benign for TTN-related condition. Last evaluated: 2026-08-04. Review status: criteria provided, single submitter. Criteria: ACMG Guidelines, 2015. Collection method: clinical testing. Allele origin: germline.
Comment: This variant is classified as likely benign based on ACMG/AMP sequence variant interpretation guidelines (Richards et al. 2015 PMID: 25741868, with internal and published modifications).

Labcorp Genetics (formerly Invitae), Labcorp
Classification: Likely benign for Dilated cardiomyopathy 1G; Autosomal recessive limb-girdle muscular dystrophy type 2J. Last evaluated: 2024-12-02. Review status: criteria provided, single submitter. Criteria: Invitae Variant Classification Sherloc (09022015). Collection method: clinical testing. Allele origin: germline.

NM_001267550.2(TTN):c.29733T>C (p.Val9911=)

Gene: TTN (titin; minus strand). Cytogenetic location: 2q31.2.
Variant type: single nucleotide variant.
Coding change: c.29733T>C on transcript NM_001267550.2 (MANE Select); coding-DNA position 29733, T replaced by C.
Protein change: p.Val9911=; no amino-acid change (valine 9911 retained).
Molecular consequence: synonymous variant. On other transcripts: intron variant (3).
Genome position (GRCh38, 1-based): chr2:178,704,739, A>G on the plus strand (T>C on the coding strand, the complement: TTN is on the minus strand). VCF-style: chr2-178704739-A-G. GRCh37 (hg19) VCF-style: chr2-179569466-A-G.
Other names: c.28782T>C, p.Val9594= (NM_001256850.1); c.26001T>C, p.Val8667= (NM_133378.4); c.13282+33343T>C (NM_003319.4); c.13858+33343T>C (NM_133437.4); c.13657+33343T>C (NM_133432.3).
Identifiers: ClinVar variation 1117686 (VCV001117686.10), dbSNP rs749689466, ClinGen allele CA1999312.